The following is an entry in ClinVar:

ClinVar aggregate classification (germline): Pathogenic (1 of 4 stars; one submission).

Submission:

Labcorp Genetics (formerly Invitae), Labcorp
Classification: Pathogenic. Last evaluated: 2025-04-22. Review status: criteria provided, single submitter. Criteria: Invitae Variant Classification Sherloc (09022015). Collection method: clinical testing. Allele origin: germline.
Comment: This sequence change creates a premature translational stop signal (p.Glu1319Glyfs*41) in the ALPK3 gene. It is expected to result in an absent or disrupted protein product. Loss-of-function variants in ALPK3 are known to be pathogenic (PMID: 21441111, 26846950, 27106955, 34263907). This variant is not present in population databases (gnomAD no frequency). This variant has not been reported in the literature in individuals affected with ALPK3-related conditions. For these reasons, this variant has been classified as Pathogenic.

Literature cited by the submitters: PubMed 21441111; PubMed 26846950; PubMed 27106955; PubMed 34263907.

NM_020778.5(ALPK3):c.3349dup (p.Glu1117fs)

Gene: ALPK3 (alpha kinase 3; plus strand). Cytogenetic location: 15q25.3.
Variant type: Duplication.
Coding change: c.3349dup on transcript NM_020778.5 (MANE Select); coding-DNA position 3349, one base duplicated (G; older notation c.3349dupG).
Protein change: p.Glu1117fs; shifts the reading frame from glutamic acid 1117.
Molecular consequence: frameshift variant.
Genome position (GRCh38, 1-based): chr15:84,858,087, G duplicated; the last of 5 consecutive G bases (chr15:84,858,083-84,858,087); duplicating any one gives the same sequence. VCF-style (leftmost placement, unchanged base first): chr15-84858082-T-TG. GRCh37 (hg19) VCF-style: chr15-85401313-T-TG.
Other names: short protein forms E1117fs.
Identifiers: ClinVar variation 4742678 (VCV004742678.1).
Genomic context (GRCh38, chr15:84,858,082, plus strand): 5'-TTTCCCCTGAGGGGCCTGGCCTCCTGGGGGCCTCTCAGGAGAGCAGCATGGCTGGTCGAC[T>TG]GGGGGAGGCGGGTGGGCAGGCAGCCCCTGGACAGGGGCCCTCAGCAGAGAGCATAGCCCA-3'